The following is an entry in ClinVar:

ClinVar aggregate classification (germline): Uncertain significance. Review status: criteria provided, multiple submitters, no conflicts (2 of 4 stars). 2 submissions from 2 submitters: Uncertain significance (2). Last evaluated 2024-12-15.

Submissions (2):

GeneDx
Classification: Uncertain significance. Last evaluated: 2024-12-15. Review status: criteria provided, single submitter. Criteria: GeneDx Variant Classification Process June 2021. Collection method: clinical testing. Allele origin: germline. Affected: yes.
Comment: Not observed at significant frequency in large population cohorts (gnomAD); In silico analysis supports that this missense variant has a deleterious effect on protein structure/function; Has not been previously published as pathogenic or benign to our knowledge

Blueprint Genetics
Classification: Uncertain significance. Last evaluated: 2022-10-04. Review status: criteria provided, single submitter. Criteria: ACMG Guidelines, 2015. Collection method: clinical testing. Allele origin: germline.

NM_001379451.1(BCORL1):c.5273C>T (p.Ser1758Phe)

Gene: BCORL1 (BCL6 corepressor like 1; plus strand). Cytogenetic location: Xq26.1.
Variant type: single nucleotide variant.
Coding change: c.5273C>T on transcript NM_001379451.1 (MANE Select); coding-DNA position 5273, C replaced by T.
Protein change: p.Ser1758Phe; replaces serine 1758 with phenylalanine.
Molecular consequence: missense variant.
Genome position (GRCh38, 1-based): chrX:130,056,051, C>T. VCF-style: chrX-130056051-C-T. GRCh37 (hg19) VCF-style: chrX-129190026-C-T.
Other names: c.5273C>T, p.Ser1758Phe (NM_001184772.3, NM_001379450.1); c.5051C>T, p.Ser1684Phe (NM_021946.5); short protein forms S1684F, S1758F.
Identifiers: ClinVar variation 3903063 (VCV003903063.2).
Genomic context (GRCh38, chrX:130,056,051, plus strand): 5'-AGCTGCTGACCCCTGCCGAGAGGCCTGGAGGCTTGGACGACAGATCCCCCCCAGGCTCCT[C>T]TGAGACTGTGGAGCTGGTGCGGTACGAGCCAGACCTACTTCGGCTCCTAGGGTCCGAGGT-3'
Protein context (NP_001366380.1, residues 1748-1768): GLDDRSPPGS[Ser1758Phe]ETVELVRYEP